The following is an entry in ClinVar:

ClinVar aggregate classification (germline): Uncertain significance (1 of 4 stars; one submission).

Conditions:
Familial adenomatous polyposis 1 (FAP1). Also called: FAMILIAL ADENOMATOUS POLYPOSIS 1, ATTENUATED; POLYPOSIS, ADENOMATOUS INTESTINAL. Identifiers: MedGen C2713442, MONDO:0021056, OMIM 175100. Disease mechanism: loss of function.

Submission:

Labcorp Genetics (formerly Invitae), Labcorp
Classification: Uncertain significance for Familial adenomatous polyposis 1. Last evaluated: 2019-09-23. Review status: criteria provided, single submitter. Criteria: Invitae Variant Classification Sherloc (09022015). Collection method: clinical testing. Allele origin: germline.
Comment: In summary, the available evidence is currently insufficient to determine the role of this variant in disease. Therefore, it has been classified as a Variant of Uncertain Significance. This variant disrupts the c.1548G nucleotide in the APC gene. Other variant(s) that disrupt this nucleotide have been determined to be pathogenic (PMID: 15459959, 15300853, 8990002, 24599579, 20685668). This suggests that this nucleotide is clinically-significant, and that variants that disrupt this position are likely to be disease-causing. Nucleotide substitutions within the consensus splice site are a relatively common cause of aberrant splicing (PMID: 17576681, 9536098). Algorithms developed to predict the effect of sequence changes on RNA splicing suggest that this variant may disrupt the consensus splice site, but this prediction has not been confirmed by published transcriptional studies. This variant has not been reported in the literature in individuals with APC-related conditions. This variant is not present in population databases (ExAC no frequency). This variant, c.1537_1548del, results in the deletion of 4 amino acid(s) of the APC protein (p.Val513_Lys516del), but otherwise preserves the integrity of the reading frame. This variant also falls at the last nucleotide of exon 12 of the APC coding sequence, which is part of the consensus splice site for this exon.

Literature cited by the submitters: PubMed 15459959; PubMed 15300853; PubMed 8990002; PubMed 24599579; PubMed 20685668; PubMed 17576681; PubMed 9536098.

NM_000038.6(APC):c.1540_1548+3del

Gene: APC (APC regulator of Wnt signaling pathway; plus strand). Cytogenetic location: 5q22.2.
Variant type: Deletion.
Coding change: c.1540_1548+3del on transcript NM_000038.6 (MANE Select); coding-DNA position 1540 through 3 bases into the intron after coding-DNA position 1548, 12 bases deleted (GCCAACAAGGTA).
Molecular consequence: splice donor variant.
Genome position (GRCh38, 1-based): chr5:112,827,239-112,827,250, GCCAACAAGGTA deleted; deleting any 12 consecutive bases within chr5:112,827,236-112,827,250 gives the same sequence; the c. name uses the placement nearest the transcript's 3' end. VCF-style (leftmost placement, unchanged base first): chr5-112827235-TGTAGCCAACAAG-T. GRCh37 (hg19) VCF-style: chr5-112162932-TGTAGCCAACAAG-T.
Other names: c.1486_1494+3del (NM_001127511.3); c.1540_1548+3del (NM_001127510.3, NM_001354895.2); c.1465_1473+3del (NM_001354898.2); c.1162_1170+3del (NM_001354904.2); c.691_699+3del (NM_001354906.2); c.1594_1602+3del (NM_001354896.2); c.1237_1245+3del (NM_001354903.2); c.1456_1464+3del (NM_001354899.2); and 5 more.
Identifiers: ClinVar variation 970662 (VCV000970662.9), dbSNP rs1763796623, ClinGen allele CA1139658998.